The following is an entry in ClinVar:

NM_012072.4(CD93):c.1621C>T (p.Pro541Ser)

Gene: CD93 (CD93 molecule; minus strand). Cytogenetic location: 20p11.21.
Variant type: single nucleotide variant.
Coding change: c.1621C>T on transcript NM_012072.4 (MANE Select); coding-DNA position 1621, C replaced by T.
Protein change: p.Pro541Ser; replaces proline 541 with serine.
Molecular consequence: missense variant.
Genome position (GRCh38, 1-based): chr20:23,084,572, G>A on the plus strand (C>T on the coding strand, the complement: CD93 is on the minus strand). VCF-style: chr20-23084572-G-A. GRCh37 (hg19) VCF-style: chr20-23065209-G-A.
Other names: short protein forms P541S.
Identifiers: ClinVar variation 2688535 (VCV002688535.3), dbSNP rs3746731, ClinGen allele CA9787959.

ClinVar aggregate classification (germline): Benign/Likely benign. Review status: criteria provided, multiple submitters, no conflicts (2 of 4 stars). 2 submissions from 2 submitters: Benign (1); Likely benign (1). Last evaluated 2024-11-28.

Allele frequency attached by ClinVar (database versions not stated): ESP Exome Variant Server 0.49908; gnomAD 0.50731; TOPMed 0.52251; 1000 Genomes Project 30x 0.53888; 1000 Genomes Project 0.54113; gnomAD exomes 0.55758; ExAC 0.56353.

Submissions (2):

Blueprint Genetics
Classification: Likely benign. Last evaluated: 2024-11-28. Review status: criteria provided, single submitter. Criteria: ACMG Guidelines, 2015. Collection method: clinical testing. Allele origin: germline.

Unidad de Genómica Garrahan, Hospital de Pediatría Garrahan
Classification: Benign. Last evaluated: 2024-01-24. Review status: criteria provided, single submitter. Criteria: ACMG Guidelines, 2015. Collection method: clinical testing. Allele origin: germline. Affected: no. Observed: 76 variant alleles.
Comment: This variant is classified as Benign based on local population frequency. This variant was detected in 86% of patients studied by a panel of primary immunodeficiencies. Number of patients: 76. Only high quality variants are reported.